The following is an entry in ClinVar:

NM_021930.6(RINT1):c.1887A>T (p.Arg629Ser)

Genes: EFCAB10 (EF-hand calcium binding domain 10; minus strand), RINT1 (RAD50 interactor 1; plus strand). Cytogenetic location: 7q22.3.
Variant type: single nucleotide variant.
Coding change: c.1887A>T on transcript NM_021930.6 (MANE Select); coding-DNA position 1887, A replaced by T.
Protein change: p.Arg629Ser; replaces arginine 629 with serine.
Molecular consequence: missense variant. On other transcripts: 3 prime UTR variant (3), non-coding transcript variant (1).
Genome position (GRCh38, 1-based): chr7:105,565,277, A>T. VCF-style: chr7-105565277-A-T. GRCh37 (hg19) VCF-style: chr7-105205724-A-T.
Other names: c.*170T>A (NM_001355526.2); c.*272T>A (NM_001355530.2); c.*125T>A (NM_001355531.2); c.1653A>T, p.Arg551Ser (NM_001346599.2); c.864A>T, p.Arg288Ser (NM_001346600.2, NM_001346603.2); c.963A>T, p.Arg321Ser (NM_001346601.2); short protein forms R288S, R321S, R551S, R629S.
Identifiers: ClinVar variation 1781990 (VCV001781990.2), dbSNP rs2485181920, ClinGen allele CA368814632.
Genomic context (GRCh38, chr7:105,565,277, plus strand): 5'-TTAAAAACTTGAAAAATAGAAACTGATGAAAATTTTTTGGTAAAAATGTGTTTTTTCCAG[A>T]TGGTTGTCCTTGCCATCTCAGTCAGAGCAGGCAGTGATGTCCCTGTCCAGTTCGGCTTGC-3'
Protein context (NP_068749.3, residues 619-639): KDAAKLYKKE[Arg629Ser]WLSLPSQSEQ

ClinVar aggregate classification (germline): Uncertain significance (1 of 4 stars; one submission).

Submission:

Ambry Genetics
Classification: Uncertain significance. Last evaluated: 2022-07-05. Review status: criteria provided, single submitter. Criteria: Ambry Variant Classification Scheme 2023. Collection method: clinical testing. Allele origin: germline.
Comment: The p.R629S variant (also known as c.1887A>T) is located in coding exon 13 of the RINT1 gene. The arginine at codon 629 is replaced by serine, an amino acid with dissimilar properties. This change occurs in the first base pair of coding exon 13. This amino acid position is conserved. In addition, the in silico prediction for this alteration is inconclusive. Since supporting evidence is limited at this time, the clinical significance of this alteration remains unclear.